The following is an entry in ClinVar:

NM_001289808.2(CRYAB):c.466del (p.Glu156fs)

Gene: CRYAB (crystallin alpha B; minus strand). Cytogenetic location: 11q23.1.
Variant type: Deletion.
Coding change: c.466del on transcript NM_001289808.2 (MANE Select); coding-DNA position 466, one base deleted (G; older notation c.466delG).
Protein change: p.Glu156fs; shifts the reading frame from glutamic acid 156.
Molecular consequence: frameshift variant.
Genome position (GRCh38, 1-based): chr11:111,908,826, C deleted on the plus strand (G on the coding strand, the reverse complement: CRYAB is on the minus strand). VCF-style (leftmost placement, unchanged base first): chr11-111908825-TC-T. GRCh37 (hg19) VCF-style: chr11-111779549-TC-T.
Other names: c.466del, p.Glu156fs (NM_001289807.1, NM_001368245.1, NM_001885.3); c.265del, p.Glu89fs (NM_001330379.1, NM_001368246.1); short protein forms E156fs, E89fs.
Identifiers: ClinVar variation 1710339 (VCV001710339.1), dbSNP rs2497874840, ClinGen allele CA2580083254.
Genomic context (GRCh38, chr11:111,908,825, plus strand): 5'-TATTTCTTGGGGGCTGCGGTGACAGCAGGCTTCTCTTCACGGGTGATGGGAATGGTGCGC[TC>T]AGGGCCAGAGACCTGTTTCCTTGGTCCATTCACAGTGAGGACCCCATCAGATGACAGGGA-3'

ClinVar aggregate classification (germline): Pathogenic (1 of 4 stars; one submission).

Conditions:
Developmental cataract. Also called: Congenital cataract; Bilateral cataracts; Congenital cataracts. Identifiers: MedGen C0009691, HP:0000519.

Submission:

Genetics Department, University Hospital of Toulouse
Classification: Pathogenic for Developmental cataract. Last evaluated: 2022-10-15. Review status: criteria provided, single submitter. Criteria: ACMG Guidelines, 2015. Collection method: clinical testing. Allele origin: germline. Affected: yes.
Comment: P (PSVS1, PS2, PM2)